The following is an entry in ClinVar:

ClinVar aggregate classification (germline): Likely benign (0 of 4 stars; one submission).

Conditions:
DPP10-related disorder. Also called: DPP10-related condition.

Allele frequency attached by ClinVar (database versions not stated): 1000 Genomes Project 30x 0.00078; 1000 Genomes Project 0.00080; gnomAD 0.00111; ExAC 0.00121; TOPMed 0.00124; ESP Exome Variant Server 0.00200.
gnomAD v4.1: 3,171 of 1,607,642 alleles (0.2%); highest among the groups gnomAD compares: Non-Finnish European, 0.24%; 8 homozygotes.

Submission:

PreventionGenetics, part of Exact Sciences
Classification: Likely benign for DPP10-related condition. Last evaluated: 2023-04-09. Review status: no assertion criteria provided. Collection method: clinical testing. Allele origin: germline.
Comment: This variant is classified as likely benign based on ACMG/AMP sequence variant interpretation guidelines (Richards et al. 2015 PMID: 25741868, with internal and published modifications).

NM_020868.6(DPP10):c.1874A>G (p.Lys625Arg)

Gene: DPP10 (dipeptidyl peptidase like 10; plus strand). Cytogenetic location: 2q14.1.
Variant type: single nucleotide variant.
Coding change: c.1874A>G on transcript NM_020868.6 (MANE Select); coding-DNA position 1874, A replaced by G.
Protein change: p.Lys625Arg; replaces lysine 625 with arginine.
Molecular consequence: missense variant.
Genome position (GRCh38, 1-based): chr2:115,814,966, A>G. VCF-style: chr2-115814966-A-G. GRCh37 (hg19) VCF-style: chr2-116572542-A-G.
Other names: c.1853A>G, p.Lys618Arg (NM_001004360.5, NM_001321906.2); c.1886A>G, p.Lys629Arg (NM_001178034.1); c.1724A>G, p.Lys575Arg (NM_001178036.3, NM_001321910.3, NM_001321911.3 and 2 more transcripts); c.1862A>G, p.Lys621Arg (NM_001178037.3); c.1925A>G, p.Lys642Arg (NM_001321905.3); c.1835A>G, p.Lys612Arg (NM_001321907.3); c.1784A>G, p.Lys595Arg (NM_001321908.3); c.1757A>G, p.Lys586Arg (NM_001321909.3); and 2 more; short protein forms K371R, K541R, K575R, K586R, K595R, K612R, K618R, K621R.
Identifiers: ClinVar variation 3044583 (VCV003044583.2), dbSNP rs142359009, ClinGen allele CA1843369.